The following is an entry in ClinVar:

ClinVar aggregate classification (germline): Likely benign. Review status: criteria provided, multiple submitters, no conflicts (2 of 4 stars). 2 submissions from 2 submitters: Likely benign (2). Last evaluated 2026-05-28.

Conditions:
DMD-related disorder. Also called: DMD-related condition.
Duchenne muscular dystrophy (DMD). Also called: Duchenne Muscular Dystrophy (DMD); MUSCULAR DYSTROPHY, PSEUDOHYPERTROPHIC PROGRESSIVE, DUCHENNE TYPE. Identifiers: Orphanet 98896, MedGen C0013264, MONDO:0010679, OMIM 310200.

Allele frequency attached by ClinVar (database versions not stated): ExAC 0.00001; gnomAD 0.00001; gnomAD exomes 0.00001; TOPMed 0.00003.
gnomAD v4.1: 1 of 1,206,705 alleles (0.000083%); highest among the groups gnomAD compares: African/African-American, 0.0017%; no homozygotes.

Submissions (2):

PreventionGenetics, part of Exact Sciences
Classification: Likely benign for DMD-related condition. Last evaluated: 2026-05-28. Review status: criteria provided, single submitter. Criteria: ACMG Guidelines, 2015. Collection method: clinical testing. Allele origin: germline.
Comment: This variant is classified as likely benign based on ACMG/AMP sequence variant interpretation guidelines (Richards et al. 2015 PMID: 25741868, with internal and published modifications).

Labcorp Genetics (formerly Invitae), Labcorp
Classification: Likely benign for Duchenne muscular dystrophy. Last evaluated: 2024-01-17. Review status: criteria provided, single submitter. Criteria: Invitae Variant Classification Sherloc (09022015). Collection method: clinical testing. Allele origin: germline.

NM_004006.3(DMD):c.10328+7G>C

Gene: DMD (dystrophin; minus strand). Cytogenetic location: Xp21.2.
Variant type: single nucleotide variant.
Coding change: c.10328+7G>C on transcript NM_004006.3 (MANE Select); 7 bases into the intron after coding-DNA position 10328, G replaced by C.
Molecular consequence: intron variant.
Genome position (GRCh38, 1-based): chrX:31,173,532, C>G on the plus strand (G>C on the coding strand, the complement: DMD is on the minus strand). VCF-style: chrX-31173532-C-G. GRCh37 (hg19) VCF-style: chrX-31191649-C-G.
Other names: c.10328+7G>C (NM_004006.2); c.10304+7G>C (NM_000109.4); c.6305+7G>C (NM_004011.4); c.6296+7G>C (NM_004012.4); c.2843+5137G>C (NM_004023.3, NM_004020.4); c.2909+7G>C (NM_004022.3); c.2948+7G>C (NM_004021.3, NM_004013.3); c.2141+7G>C (NM_004014.3); and 4 more.
Identifiers: ClinVar variation 1624321 (VCV001624321.9), dbSNP rs746337275, ClinGen allele CA10377628.
Genomic context (GRCh38, chrX:31,173,532, plus strand): 5'-CATAGGTTAGCTTTCCTTGGTTAGTTATTTCAATCAATATTTGCCTGGCATACAACTAGT[C>G]TCATACCTGCTAGCATAATGTTCAATGCGTGAATGAGTATCATCGTGTGAAAGCTGAGGG-3'